The following is an entry in ClinVar:

ClinVar aggregate classification (germline): Pathogenic/Likely pathogenic. Review status: criteria provided, multiple submitters, no conflicts (2 of 4 stars). 5 submissions from 5 submitters: Pathogenic (4); Likely pathogenic (1). Last evaluated 2026-02-14.

Conditions:
Joubert syndrome. Also called: Familial aplasia of the vermis; JOUBERT-BOLTSHAUSER SYNDROME. Identifiers: Orphanet 475, MedGen C5979921, MONDO:0018772.
AHI1-related disorder. Also called: AHI1-related condition.
Joubert syndrome 3 (JBTS3). Also called: AHI1-related Ciliopathy. Identifiers: Orphanet 220493, MedGen C1837713, MONDO:0012078, OMIM 608629.

Submissions (5):

PreventionGenetics, part of Exact Sciences
Classification: Pathogenic for AHI1-related condition. Last evaluated: 2026-02-14. Review status: criteria provided, single submitter. Criteria: ACMG Guidelines, 2015. Collection method: clinical testing. Allele origin: germline.
Comment: The AHI1 c.703dupA variant is predicted to result in a frameshift and premature protein termination (p.Arg235Lysfs*12). This variant has been reported along with a second AHI1 variant in an individual with retinal disease (Table S1, Lin et al. 2024. PubMed ID: 38219857). This variant is present in 0.0030% of alleles in individuals of European (Non-Finnish) descent in gnomAD. Frameshift variants in AHI1 are an established mechanism of disease. This variant is interpreted as pathogenic.

GeneDx
Classification: Pathogenic. Last evaluated: 2024-04-22. Review status: criteria provided, single submitter. Criteria: GeneDx Variant Classification Process June 2021. Collection method: clinical testing. Allele origin: germline. Affected: yes.
Comment: Frameshift variant predicted to result in nonsense mediated decay in a gene for which loss of function is a known mechanism of disease; Not observed at significant frequency in large population cohorts (gnomAD); This variant is associated with the following publications: (PMID: 31964843, 33777383)

Fulgent Genetics
Classification: Likely pathogenic for Joubert syndrome 3. Last evaluated: 2024-03-01. Review status: criteria provided, single submitter. Criteria: ACMG Guidelines, 2015. Collection method: clinical testing. Allele origin: germline.

Labcorp Genetics (formerly Invitae), Labcorp
Classification: Pathogenic for Joubert syndrome. Last evaluated: 2024-02-19. Review status: criteria provided, single submitter. Criteria: Invitae Variant Classification Sherloc (09022015). Collection method: clinical testing. Allele origin: germline.
Comment: This sequence change creates a premature translational stop signal (p.Arg235Lysfs*12) in the AHI1 gene. It is expected to result in an absent or disrupted protein product. Loss-of-function variants in AHI1 are known to be pathogenic (PMID: 15322546, 16453322, 28442542, 29186038). The frequency data for this variant in the population databases is considered unreliable, as metrics indicate poor data quality at this position in the gnomAD database. This variant has not been reported in the literature in individuals affected with AHI1-related conditions. ClinVar contains an entry for this variant (Variation ID: 847622). For these reasons, this variant has been classified as Pathogenic.

Blueprint Genetics
Classification: Pathogenic for AHI1-related disorders. Last evaluated: 2022-10-17. Review status: criteria provided, single submitter. Criteria: ACMG Guidelines, 2015. Collection method: clinical testing. Allele origin: germline. Affected: yes. Observed: 2 variant alleles.

Literature cited by the submitters: PubMed 15322546 (cited by Labcorp Genetics (formerly Invitae), Labcorp); PubMed 16453322 (cited by Labcorp Genetics (formerly Invitae), Labcorp); PubMed 28442542 (cited by Labcorp Genetics (formerly Invitae), Labcorp); PubMed 29186038 (cited by Labcorp Genetics (formerly Invitae), Labcorp).

NM_001134831.2(AHI1):c.703dup (p.Arg235fs)

Gene: AHI1 (Abelson helper integration site 1; minus strand). Cytogenetic location: 6q23.3.
Variant type: Duplication.
Coding change: c.703dup on transcript NM_001134831.2 (MANE Select); coding-DNA position 703, one base duplicated (A; older notation c.703dupA).
Protein change: p.Arg235fs; shifts the reading frame from arginine 235.
Molecular consequence: frameshift variant.
Genome position (GRCh38, 1-based): chr6:135,465,860, T duplicated on the plus strand (A on the coding strand, the reverse complement: AHI1 is on the minus strand); the first of 6 consecutive T bases (chr6:135,465,860-135,465,865); duplicating any one gives the same sequence. VCF-style (leftmost placement, unchanged base first): chr6-135465859-C-CT. GRCh37 (hg19) VCF-style: chr6-135786997-C-CT.
Other names: c.703dupA (NM_017651.4); c.703dup, p.Arg235fs (NM_001134830.2, NM_001134832.2, NM_001350503.2 and 2 more transcripts); short protein forms R235fs.
Identifiers: ClinVar variation 847622 (VCV000847622.13), dbSNP rs1336317768, ClinGen allele CA452216850.